The following is an entry in ClinVar:

ClinVar aggregate classification (germline): Benign/Likely benign. Review status: criteria provided, multiple submitters, no conflicts (2 of 4 stars). 3 submissions from 3 submitters: Benign (1); Likely benign (2). Last evaluated 2024-10-28.

Allele frequency attached by ClinVar (database versions not stated): ESP Exome Variant Server 0.00008; gnomAD exomes 0.00012; gnomAD 0.00014; TOPMed 0.00015; ExAC 0.00017; 1000 Genomes Project 30x 0.00094; 1000 Genomes Project 0.00100.
gnomAD v4.1: 200 of 1,613,968 alleles (0.012%); highest among the groups gnomAD compares: Middle Eastern, 0.066%; 1 homozygote.

Submissions (3):

Labcorp Genetics (formerly Invitae), Labcorp
Classification: Benign. Last evaluated: 2024-10-28. Review status: criteria provided, single submitter. Criteria: Invitae Variant Classification Sherloc (09022015). Collection method: clinical testing. Allele origin: germline.

Blueprint Genetics
Classification: Likely benign. Last evaluated: 2024-10-22. Review status: criteria provided, single submitter. Criteria: ACMG Guidelines, 2015. Collection method: clinical testing. Allele origin: germline.

CeGaT Center for Human Genetics Tuebingen
Classification: Likely benign. Last evaluated: 2022-11-01. Review status: criteria provided, single submitter. Criteria: CeGaT Center For Human Genetics Tuebingen Variant Classification Criteria Version 2. Collection method: clinical testing. Allele origin: germline. Affected: yes. Observed: 1 variant allele.
Comment: ADCY5: BP4, BP7

NM_183357.3(ADCY5):c.1566C>T (p.Cys522=)

Gene: ADCY5 (adenylate cyclase 5; minus strand). Cytogenetic location: 3q21.1.
Variant type: single nucleotide variant.
Coding change: c.1566C>T on transcript NM_183357.3 (MANE Select); coding-DNA position 1566, C replaced by T.
Protein change: p.Cys522=; no amino-acid change (cysteine 522 retained).
Molecular consequence: synonymous variant.
Genome position (GRCh38, 1-based): chr3:123,330,969, G>A on the plus strand (C>T on the coding strand, the complement: ADCY5 is on the minus strand). VCF-style: chr3-123330969-G-A. GRCh37 (hg19) VCF-style: chr3-123049816-G-A.
Other names: c.516C>T, p.Cys172= (NM_001199642.1); c.1566C>T, p.Cys522= (NM_001378259.1).
Identifiers: ClinVar variation 1940028 (VCV001940028.30), dbSNP rs148753023, ClinGen allele CA2577433.